The following is an entry in ClinVar:

NM_000255.4(MMUT):c.157_162del (p.Gly53_Lys54del)

Gene: MMUT (methylmalonyl-CoA mutase; minus strand). Cytogenetic location: 6p12.3.
Variant type: Deletion.
Coding change: c.157_162del on transcript NM_000255.4 (MANE Select); coding-DNA positions 157 to 162, 6 bases deleted (GGCAAA; older notation c.157_162delGGCAAA).
Protein change: p.Gly53_Lys54del.
Molecular consequence: inframe deletion.
Genome position (GRCh38, 1-based): chr6:49,459,305-49,459,310, TTTGCC deleted on the plus strand (GGCAAA on the coding strand, the reverse complement: MMUT is on the minus strand); deleting any 6 consecutive bases within chr6:49,459,305-49,459,313 gives the same sequence; the c. name uses the placement nearest the transcript's 3' end. VCF-style (leftmost placement, unchanged base first): chr6-49459304-TTTTGCC-T. GRCh37 (hg19) VCF-style: chr6-49427017-TTTTGCC-T.
Identifiers: ClinVar variation 2135436 (VCV002135436.4), dbSNP rs2481350672, ClinGen allele CA2580075516.

ClinVar aggregate classification (germline): Uncertain significance (1 of 4 stars; one submission).

Submission:

Labcorp Genetics (formerly Invitae), Labcorp
Classification: Uncertain significance. Last evaluated: 2022-05-08. Review status: criteria provided, single submitter. Criteria: Invitae Variant Classification Sherloc (09022015). Collection method: clinical testing. Allele origin: germline.
Comment: Experimental studies and prediction algorithms are not available or were not evaluated, and the functional significance of this variant is currently unknown. This variant has not been reported in the literature in individuals affected with MUT-related conditions. This variant is not present in population databases (gnomAD no frequency). This variant, c.157_162del, results in the deletion of 2 amino acid(s) of the MUT protein (p.Gly53_Lys54del), but otherwise preserves the integrity of the reading frame. In summary, the available evidence is currently insufficient to determine the role of this variant in disease. Therefore, it has been classified as a Variant of Uncertain Significance.